The following is an entry in ClinVar:

ClinVar aggregate classification (germline): Uncertain significance. Review status: criteria provided, multiple submitters, no conflicts (2 of 4 stars). 2 submissions from 2 submitters: Uncertain significance (2). Last evaluated 2025-12-10.

Conditions:
Familial thoracic aortic aneurysm and aortic dissection (TAAD). Also called: Thoracic aortic aneurysms and dissections. Identifiers: Orphanet 91387, MedGen C4707243, MONDO:0019625.

Allele frequency attached by ClinVar (database versions not stated): gnomAD exomes below 0.00001.
gnomAD v4.1: 1 of 1,614,128 alleles (0.000062%); highest among the groups gnomAD compares: Admixed American, 0.0017%; no homozygotes.

Submissions (2):

Labcorp Genetics (formerly Invitae), Labcorp
Classification: Uncertain significance for Familial thoracic aortic aneurysm and aortic dissection. Last evaluated: 2025-12-10. Review status: criteria provided, single submitter. Criteria: Invitae Variant Classification Sherloc (09022015). Collection method: clinical testing. Allele origin: germline.
Comment: This sequence change replaces methionine, which is neutral and non-polar, with lysine, which is basic and polar, at codon 369 of the SMAD3 protein (p.Met369Lys). This variant is present in population databases (no rsID available, gnomAD 0.003%). This variant has not been reported in the literature in individuals affected with SMAD3-related conditions. ClinVar contains an entry for this variant (Variation ID: 927188). Invitae Evidence Modeling of protein sequence and biophysical properties (such as structural, functional, and spatial information, amino acid conservation, physicochemical variation, residue mobility, and thermodynamic stability) indicates that this missense variant is expected to disrupt SMAD3 protein function with a positive predictive value of 80%. In summary, the available evidence is currently insufficient to determine the role of this variant in disease. Therefore, it has been classified as a Variant of Uncertain Significance.

Color Diagnostics, LLC DBA Color Health
Classification: Uncertain significance for Familial thoracic aortic aneurysm and aortic dissection. Last evaluated: 2019-02-26. Review status: criteria provided, single submitter. Criteria: ACMG Guidelines, 2015. Collection method: clinical testing. Allele origin: germline.
Comment: Variant of Uncertain Significance due to insufficient evidence: This missense variant replaces methionine with lysine at codon 369 of the SMAD3 protein. Computational prediction tools and conservation analyses suggest that this variant may have deleterious impact on the protein function. Computational splicing tools suggest that this variant may not impact RNA splicing. To our knowledge, functional assays have not been performed for this variant nor has this variant been reported in individuals affected with cardiovascular disorders in the literature. This variant has been identified in 1/246272 chromosomes in the general population by the Genome Aggregation Database (gnomAD). Available evidence is insufficient to determine the role of this variant in disease conclusively.

NM_005902.4(SMAD3):c.1106T>A (p.Met369Lys)

Gene: SMAD3 (SMAD family member 3; plus strand). Cytogenetic location: 15q22.33.
Variant type: single nucleotide variant.
Coding change: c.1106T>A on transcript NM_005902.4 (MANE Select); coding-DNA position 1106, T replaced by A.
Protein change: p.Met369Lys; replaces methionine 369 with lysine.
Molecular consequence: missense variant.
Genome position (GRCh38, 1-based): chr15:67,187,461, T>A. VCF-style: chr15-67187461-T-A. GRCh37 (hg19) VCF-style: chr15-67479799-T-A.
Other names: c.791T>A, p.Met264Lys (NM_001145102.2); c.974T>A, p.Met325Lys (NM_001145103.2); c.521T>A, p.Met174Lys (NM_001145104.2); short protein forms M325K, M174K, M264K, M369K.
Identifiers: ClinVar variation 927188 (VCV000927188.4), dbSNP rs1294653592, ClinGen allele CA392958260.
Genomic context (GRCh38, chr15:67,187,461, plus strand): 5'-CTGCCCTCCTGGCCCAGTCGGTCAACCAGGGCTTTGAGGCTGTCTACCAGTTGACCCGAA[T>A]GTGCACCATCCGCATGAGCTTCGTCAAAGGCTGGGGAGCGGAGTACAGGTCAGTTATGGG-3'
Protein context (NP_005893.1, residues 359-379): GFEAVYQLTR[Met369Lys]CTIRMSFVKG